The following is an entry in ClinVar:

ClinVar aggregate classification (germline): Benign. Review status: criteria provided, multiple submitters, no conflicts (2 of 4 stars). 3 submissions from 3 submitters: Benign (3). Last evaluated 2022-08-12.

Conditions:
Anemia, nonspherocytic hemolytic, due to G6PD deficiency (CNSHA1). Also called: ANEMIA, CONGENITAL, NONSPHEROCYTIC HEMOLYTIC, 1; Hemolytic anemia due to G6PD deficiency; Class I glucose-6-phosphate dehydrogenase deficiency; Favism, susceptibility to. Identifiers: Orphanet 466026, MedGen C2720289, MONDO:0010480, OMIM 300908.

Allele frequency attached by ClinVar (database versions not stated): gnomAD 0.09690 and 0.10367; 1000 Genomes Project 0.10225; 1000 Genomes Project 30x 0.10718; TOPMed 0.10935.
gnomAD v4.1: 16,546 of 587,170 alleles (2.8%); highest among the groups gnomAD compares: African/African-American, 33%; 1,921 homozygotes.

Submissions (3):

Dunham Lab, University of Washington
Classification: Benign for Anemia, nonspherocytic hemolytic, due to G6PD deficiency. Last evaluated: 2022-08-12. Review status: criteria provided, single submitter. Criteria: ACMG Guidelines, 2015. Collection method: curation. Allele origin: unknown.
Comment: Variant found at a frequency of 9.2% in gnomAD (BA1) and previously interpreted as benign (BP6).

GeneDx
Classification: Benign. Last evaluated: 2018-07-09. Review status: criteria provided, single submitter. Criteria: GeneDx Variant Classification Process June 2021. Collection method: clinical testing. Allele origin: germline. Affected: yes.

Breakthrough Genomics
Classification: Benign. Review status: criteria provided, single submitter. Criteria: ACMG Guidelines, 2015. Collection method: not provided. Allele origin: germline. Inheritance: X-linked inheritance. Affected: yes.

NM_001360016.2(G6PD):c.121-135A>G

Gene: G6PD (glucose-6-phosphate dehydrogenase; minus strand). Cytogenetic location: Xq28.
Variant type: single nucleotide variant.
Coding change: c.121-135A>G on transcript NM_001360016.2 (MANE Select); 135 bases into the intron before coding-DNA position 121, A replaced by G.
Molecular consequence: intron variant.
Genome position (GRCh38, 1-based): chrX:154,536,313, T>C on the plus strand (A>G on the coding strand, the complement: G6PD is on the minus strand). VCF-style: chrX-154536313-T-C. GRCh37 (hg19) VCF-style: chrX-153764528-T-C.
Other names: c.211-135A>G (NM_000402.4); c.121-135A>G (NM_001042351.3).
Identifiers: ClinVar variation 1229927 (VCV001229927.6), dbSNP rs762515, ClinGen allele CA337318903.